The following is an entry in ClinVar:

NM_000051.4(ATM):c.2964_2965del (p.Lys988fs)

Gene: ATM (ATM serine/threonine kinase; plus strand). Cytogenetic location: 11q22.3.
Variant type: Deletion.
Coding change: c.2964_2965del on transcript NM_000051.4 (MANE Select); coding-DNA positions 2964 to 2965, 2 bases deleted (AA; older notation c.2964_2965delAA).
Protein change: p.Lys988fs; shifts the reading frame from lysine 988.
Molecular consequence: frameshift variant.
Genome position (GRCh38, 1-based): chr11:108,271,293-108,271,294, AA deleted; deleting any 2 consecutive bases within chr11:108,271,291-108,271,294 gives the same sequence; the c. name uses the placement nearest the transcript's 3' end. VCF-style (leftmost placement, unchanged base first): chr11-108271290-TAA-T. GRCh37 (hg19) VCF-style: chr11-108142017-TAA-T.
Other names: c.2964_2965del, p.Lys988fs (NM_001351834.2); short protein forms K988fs.
Identifiers: ClinVar variation 2034256 (VCV002034256.5), dbSNP rs786203539, ClinGen allele CA2580083233.

ClinVar aggregate classification (germline): Pathogenic. Review status: criteria provided, multiple submitters, no conflicts (2 of 4 stars). 2 submissions from 2 submitters: Pathogenic (2). Last evaluated 2024-01-18.

Conditions:
Familial cancer of breast. Also called: Hereditary breast cancer; hereditary breast carcinoma; BREAST CANCER, FAMILIAL. Identifiers: Orphanet 227535, MedGen C0346153, MONDO:0016419, OMIM 114480. Disease mechanism: loss of function.
Ataxia-telangiectasia syndrome (AT). Also called: Ataxia-telangiectasia, complementation group D; ATAXIA-TELANGIECTASIA, COMPLEMENTATION GROUP A; ATAXIA-TELANGIECTASIA, FRESNO VARIANT; Ataxia-telangiectasia; Ataxia telangiectasia (A-T); Cerebello-oculocutaneous telangiectasia. Identifiers: Orphanet 100, MedGen C0004135, MONDO:0008840, OMIM 208900.

Submissions (2):

Myriad Genetics, Inc.
Classification: Pathogenic for Familial cancer of breast. Last evaluated: 2024-01-18. Review status: criteria provided, single submitter. Criteria: Myriad Autosomal Dominant, Autosomal Recessive and X-Linked Classification Criteria (2023). Collection method: clinical testing. Allele origin: unknown.
Comment: This variant is considered pathogenic. This variant creates a frameshift predicted to result in premature protein truncation.

Labcorp Genetics (formerly Invitae), Labcorp
Classification: Pathogenic for Ataxia-telangiectasia syndrome. Last evaluated: 2022-10-05. Review status: criteria provided, single submitter. Criteria: Invitae Variant Classification Sherloc (09022015). Collection method: clinical testing. Allele origin: germline.
Comment: For these reasons, this variant has been classified as Pathogenic. This sequence change creates a premature translational stop signal (p.Lys988Asnfs*21) in the ATM gene. It is expected to result in an absent or disrupted protein product. Loss-of-function variants in ATM are known to be pathogenic (PMID: 23807571, 25614872). This variant is not present in population databases (gnomAD no frequency). This variant has not been reported in the literature in individuals affected with ATM-related conditions.

Literature cited by the submitters: PubMed 23807571 (cited by Labcorp Genetics (formerly Invitae), Labcorp); PubMed 25614872 (cited by Labcorp Genetics (formerly Invitae), Labcorp).